The following is an entry in ClinVar:

NM_000069.3(CACNA1S):c.2748C>T (p.His916=)

Gene: CACNA1S (calcium voltage-gated channel subunit alpha1 S; minus strand). Cytogenetic location: 1q32.1.
Variant type: single nucleotide variant.
Coding change: c.2748C>T on transcript NM_000069.3 (MANE Select); coding-DNA position 2748, C replaced by T.
Protein change: p.His916=; no amino-acid change (histidine 916 retained).
Molecular consequence: synonymous variant.
Genome position (GRCh38, 1-based): chr1:201,065,943, G>A on the plus strand (C>T on the coding strand, the complement: CACNA1S is on the minus strand). VCF-style: chr1-201065943-G-A. GRCh37 (hg19) VCF-style: chr1-201035071-G-A.
Other names: p.His916=.
Identifiers: ClinVar variation 254822 (VCV000254822.25), dbSNP rs2297902, ClinGen allele CA079268.

ClinVar aggregate classification (germline): Benign. Review status: criteria provided, multiple submitters, no conflicts (2 of 4 stars). 15 submissions from 12 submitters: Benign (13). 2 of the submissions do not count toward it. Last evaluated 2026-02-04.

Conditions:
Malignant hyperthermia, susceptibility to, 5 (MHS5). Also called: CACNA1S-Related Malignant Hyperthermia Susceptibility. Identifiers: Orphanet 423, MedGen C1866077, MONDO:0011163, OMIM 601887.
Hypokalemic periodic paralysis, type 1. Also called: HypoPP; Hypokalemic Periodic Paralysis Type 1 (AD). Identifiers: Orphanet 681, MedGen C3714580, MONDO:0042979, OMIM 170400.
Congenital myopathy 18. Also called: DIHYDROPYRIDINE RECEPTOR CONGENITAL MYOPATHY; DHPR CONGENITAL MYOPATHY; Myopathy, congenital, due to dihydropyridine receptor defect. Identifiers: MedGen C5830283, MONDO:0859514, OMIM 620246.
Thyrotoxic periodic paralysis, susceptibility to, 1 (TTPP1). Identifiers: Orphanet 79102, MedGen C2749982, MONDO:0008570, OMIM 188580.

Allele frequency attached by ClinVar (database versions not stated): ESP Exome Variant Server 0.01238; gnomAD 0.02034 and 0.02302; TOPMed 0.02554; gnomAD exomes 0.03827; ExAC 0.04208; 1000 Genomes Project 30x 0.04981; 1000 Genomes Project 0.05391.
gnomAD v4.1: 32,053 of 1,608,184 alleles (2%); highest among the groups gnomAD compares: East Asian, 19%; 1,214 homozygotes.

Submissions (15):

Labcorp Genetics (formerly Invitae), Labcorp
Classification: Benign for Hypokalemic periodic paralysis, type 1; Malignant hyperthermia, susceptibility to, 5. Last evaluated: 2026-02-04. Review status: criteria provided, single submitter. Criteria: Invitae Variant Classification Sherloc (09022015). Collection method: clinical testing. Allele origin: germline.

All of Us Research Program, National Institutes of Health
Classification: Benign for Malignant hyperthermia, susceptibility to, 5. Last evaluated: 2024-02-05. Review status: criteria provided, single submitter. Criteria: ACMG Guidelines, 2015. Collection method: clinical testing. Allele origin: germline. Inheritance: Autosomal dominant inheritance. Observed: 4,378 variant alleles, 4,215 heterozygotes, 163 homozygotes.
Comment: This study involves interpretation of variants in research participants for the purpose of population health screening. Participant phenotype was not available at the time of variant classification. Additional details can be found in publication PMID: 35346344, PMCID: PMC8962531

Genome-Nilou Lab
Classification: Benign for Malignant hyperthermia, susceptibility to, 5. Last evaluated: 2023-04-11. Review status: criteria provided, single submitter. Criteria: ACMG Guidelines, 2015. Collection method: clinical testing. Allele origin: germline. Affected: no.

Genome-Nilou Lab
Classification: Benign for Thyrotoxic periodic paralysis, susceptibility to, 1. Last evaluated: 2023-04-11. Review status: criteria provided, single submitter. Criteria: ACMG Guidelines, 2015. Collection method: clinical testing. Allele origin: germline. Affected: no.

Genome-Nilou Lab
Classification: Benign for Congenital myopathy 18. Last evaluated: 2023-04-11. Review status: criteria provided, single submitter. Criteria: ACMG Guidelines, 2015. Collection method: clinical testing. Allele origin: germline. Affected: no.

Genome-Nilou Lab
Classification: Benign for Hypokalemic periodic paralysis, type 1. Last evaluated: 2023-04-11. Review status: criteria provided, single submitter. Criteria: ACMG Guidelines, 2015. Collection method: clinical testing. Allele origin: germline. Affected: no.

Athena Diagnostics
Classification: Benign. Last evaluated: 2018-04-27. Review status: criteria provided, single submitter. Criteria: Athena Diagnostics Criteria. Collection method: clinical testing. Allele origin: germline.

Illumina Laboratory Services, Illumina
Classification: Benign for Hypokalemic periodic paralysis, type 1. Last evaluated: 2018-03-06. Review status: criteria provided, single submitter. Criteria: ICSL Variant Classification Criteria 13 December 2019. Collection method: clinical testing. Allele origin: germline.
Comment: This variant was observed in the ICSL laboratory as part of a predisposition screen in an ostensibly healthy population. It had not been previously curated by ICSL or reported in the Human Gene Mutation Database (HGMD: prior to June 1st, 2018), and was therefore a candidate for classification through an automated scoring system. Utilizing variant allele frequency, disease prevalence and penetrance estimates, and inheritance mode, an automated score was calculated to assess if this variant is too frequent to cause the disease. Based on the score and internal cut-off values, a variant classified as benign is not then subjected to further curation. The score for this variant resulted in a classification of benign for this disease.

Color Diagnostics, LLC DBA Color Health
Classification: Benign for Malignant hyperthermia, susceptibility to, 5. Last evaluated: 2018-03-05. Review status: criteria provided, single submitter. Criteria: ACMG Guidelines, 2015. Collection method: clinical testing. Allele origin: germline.

Mayo Clinic Laboratories, Mayo Clinic
Classification: Benign. Last evaluated: 2017-08-24. Review status: criteria provided, single submitter. Criteria: ACMG Guidelines, 2015. Collection method: clinical testing. Allele origin: germline. Observed: 25 variant alleles.

GeneDx
Classification: Benign. Last evaluated: 2016-03-18. Review status: criteria provided, single submitter. Criteria: GeneDx Variant Classification (06012015). Collection method: clinical testing. Allele origin: germline. Affected: yes.
Comment: This variant is considered likely benign or benign based on one or more of the following criteria: it is a conservative change, it occurs at a poorly conserved position in the protein, it is predicted to be benign by multiple in silico algorithms, and/or has population frequency not consistent with disease.

Breakthrough Genomics
Classification: Benign. Review status: criteria provided, single submitter. Criteria: ACMG Guidelines, 2015. Collection method: not provided. Allele origin: germline. Inheritance: Autosomal dominant inheritance. Affected: yes.

PreventionGenetics, part of Exact Sciences
Classification: Benign. Review status: criteria provided, single submitter. Criteria: ACMG Guidelines, 2015. Collection method: clinical testing. Allele origin: germline.

Joint Genome Diagnostic Labs from Nijmegen and Maastricht, Radboudumc and MUMC+
Classification: Benign. Review status: no assertion criteria provided. Collection method: clinical testing. Allele origin: germline. Affected: yes. Study: VKGL Data-share Consensus. Not counted in ClinVar's aggregate classification.

Laboratory of Diagnostic Genome Analysis, Leiden University Medical Center (LUMC)
Classification: Likely benign. Review status: no assertion criteria provided. Collection method: clinical testing. Allele origin: germline. Affected: yes. Study: VKGL Data-share Consensus. Not counted in ClinVar's aggregate classification.